The following is an entry in ClinVar:

ClinVar aggregate classification (germline): Uncertain significance. Review status: criteria provided, multiple submitters, no conflicts (2 of 4 stars). 3 submissions from 3 submitters: Uncertain significance (3). Last evaluated 2025-05-07.

Conditions:
Charcot-Marie-Tooth disease axonal type 2V. Also called: CHARCOT-MARIE-TOOTH NEUROPATHY, TYPE 2V; CHARCOT-MARIE-TOOTH DISEASE, AXONAL, AUTOSOMAL DOMINANT, TYPE 2V. Identifiers: Orphanet 447964, MedGen C5569050, MONDO:0014665, OMIM 616491.
Mucopolysaccharidosis, MPS-III-B (MPS3B). Also called: N-ACETYL-ALPHA-D-GLUCOSAMINIDASE DEFICIENCY; NAGLU DEFICIENCY; SANFILIPPO SYNDROME B; MPS III B; MUCOPOLYSACCHARIDOSIS, TYPE IIIB; Mucopolysaccharidosis type IIIB (Sanfilippo B). Identifiers: Orphanet 79270, MedGen C0086648, MONDO:0009656, OMIM 252920.
Inborn genetic diseases. Identifiers: MedGen C0950123, MeSH D030342.

Allele frequency attached by ClinVar (database versions not stated): TOPMed 0.00002; gnomAD exomes 0.00005; gnomAD 0.00001.
gnomAD v4.1: 53 of 1,221,938 alleles (0.0043%); highest among the groups gnomAD compares: Non-Finnish European, 0.0052%; no homozygotes.

Submissions (3):

Ambry Genetics
Classification: Uncertain significance for Inborn genetic diseases. Last evaluated: 2025-05-07. Review status: criteria provided, single submitter. Criteria: Ambry Variant Classification Scheme 2023. Collection method: clinical testing. Allele origin: germline.

Mayo Clinic Laboratories, Mayo Clinic
Classification: Uncertain significance. Last evaluated: 2023-08-16. Review status: criteria provided, single submitter. Criteria: ACMG Guidelines, 2015. Collection method: clinical testing. Allele origin: germline. Observed: 1 variant allele.
Comment: BP4

Labcorp Genetics (formerly Invitae), Labcorp
Classification: Uncertain significance for Charcot-Marie-Tooth disease axonal type 2V; Mucopolysaccharidosis, MPS-III-B. Last evaluated: 2022-03-05. Review status: criteria provided, single submitter. Criteria: Invitae Variant Classification Sherloc (09022015). Collection method: clinical testing. Allele origin: germline.
Comment: This sequence change replaces alanine, which is neutral and non-polar, with threonine, which is neutral and polar, at codon 73 of the NAGLU protein (p.Ala73Thr). The frequency data for this variant in the population databases is considered unreliable, as metrics indicate poor data quality at this position in the gnomAD database. This variant has not been reported in the literature in individuals affected with NAGLU-related conditions. Advanced modeling of protein sequence and biophysical properties (such as structural, functional, and spatial information, amino acid conservation, physicochemical variation, residue mobility, and thermodynamic stability) performed at Invitae indicates that this missense variant is not expected to disrupt NAGLU protein function. In summary, the available evidence is currently insufficient to determine the role of this variant in disease. Therefore, it has been classified as a Variant of Uncertain Significance.

NM_000263.4(NAGLU):c.217G>A (p.Ala73Thr)

Genes: NAGLU (N-acetyl-alpha-glucosaminidase; plus strand), LOC130060903 (ATAC-STARR-seq lymphoblastoid silent region 8533; plus strand). Cytogenetic location: 17q21.2.
Variant type: single nucleotide variant.
Coding change: c.217G>A on transcript NM_000263.4 (MANE Select); coding-DNA position 217, G replaced by A.
Protein change: p.Ala73Thr; replaces alanine 73 with threonine.
Molecular consequence: missense variant.
Genome position (GRCh38, 1-based): chr17:42,536,489, G>A. VCF-style: chr17-42536489-G-A. GRCh37 (hg19) VCF-style: chr17-40688507-G-A.
Other names: p.Ala73Thr; c.217G>A (NM_000263.3); short protein forms A73T.
Identifiers: ClinVar variation 2198715 (VCV002198715.3), dbSNP rs887004958, ClinGen allele CA290771350.
Genomic context (GRCh38, chr17:42,536,489, plus strand): 5'-GAGCGCGCTCTGGCTGCCAAGCCGGGCTTGGACACCTACAGCCTGGGCGGCGGCGGCGCG[G>A]CGCGCGTGCGGGTGCGCGGCTCCACGGGCGTGGCGGCCGCCGCGGGGCTGCACCGCTACC-3'
Protein context (NP_000254.2, residues 63-83): DTYSLGGGGA[Ala73Thr]RVRVRGSTGV